The following is an entry in ClinVar:

ClinVar aggregate classification (germline): Uncertain significance (1 of 4 stars; one submission).

Conditions:
Cardiovascular phenotype. Identifiers: MedGen CN230736.

Submission:

Ambry Genetics
Classification: Uncertain significance for Cardiovascular phenotype. Last evaluated: 2026-05-14. Review status: criteria provided, single submitter. Criteria: Ambry Variant Classification Scheme 2023. Collection method: clinical testing. Allele origin: germline.
Comment: The p.S433T variant (also known as c.1297T>A), located in coding exon 12 of the ACTN2 gene, results from a T to A substitution at nucleotide position 1297. The serine at codon 433 is replaced by threonine, an amino acid with similar properties. This amino acid position is conserved. In addition, this alteration is predicted to be tolerated by in silico analysis. Based on the available evidence, the clinical significance of this variant remains unclear.

NM_001103.4(ACTN2):c.1297T>A (p.Ser433Thr)

Gene: ACTN2 (actinin alpha 2; plus strand). Cytogenetic location: 1q43.
Variant type: single nucleotide variant.
Coding change: c.1297T>A on transcript NM_001103.4 (MANE Select); coding-DNA position 1297, T replaced by A.
Protein change: p.Ser433Thr; replaces serine 433 with threonine.
Molecular consequence: missense variant. On other transcripts: non-coding transcript variant (1).
Genome position (GRCh38, 1-based): chr1:236,744,667, T>A. VCF-style: chr1-236744667-T-A. GRCh37 (hg19) VCF-style: chr1-236907967-T-A.
Other names: c.1297T>A, p.Ser433Thr (NM_001278343.2); short protein forms S433T.
Identifiers: ClinVar variation 4867420 (VCV004867420.1).